The following is an entry in ClinVar:

ClinVar aggregate classification (germline): Uncertain significance. Review status: criteria provided, multiple submitters, no conflicts (2 of 4 stars). 3 submissions from 3 submitters: Uncertain significance (3). Last evaluated 2025-03-26.

Conditions:
SLC27A5-related disorder. Also called: SLC27A5-related condition.

Allele frequency attached by ClinVar (database versions not stated): ESP Exome Variant Server 0.00008; TOPMed 0.00003; ExAC 0.00006; gnomAD exomes 0.00006.
gnomAD v4.1: 60 of 1,613,906 alleles (0.0037%); highest among the groups gnomAD compares: Admixed American, 0.013%; no homozygotes.

Submissions (3):

Ambry Genetics
Classification: Uncertain significance. Last evaluated: 2025-03-26. Review status: criteria provided, single submitter. Criteria: Ambry Variant Classification Scheme 2023. Collection method: clinical testing. Allele origin: germline.

PreventionGenetics, part of Exact Sciences
Classification: Uncertain significance for SLC27A5-related condition. Last evaluated: 2024-10-12. Review status: criteria provided, single submitter. Criteria: ACMG Guidelines, 2015. Collection method: clinical testing. Allele origin: germline.
Comment: The SLC27A5 c.1345G>A variant is predicted to result in the amino acid substitution p.Gly449Arg. To our knowledge, this variant has not been reported in the literature. This variant is reported in 0.029% of alleles in individuals of Latino descent in gnomAD. At this time, the clinical significance of this variant is uncertain due to the absence of conclusive functional and genetic evidence.

Eurofins Ntd Llc (ga)
Classification: Uncertain significance. Last evaluated: 2018-02-06. Review status: criteria provided, single submitter. Criteria: EGL Classification Definitions 2015. Collection method: clinical testing. Allele origin: germline. Observed: 1 variant allele, 1 heterozygote.

NM_012254.3(SLC27A5):c.1345G>A (p.Gly449Arg)

Gene: SLC27A5 (solute carrier family 27 member 5; minus strand). Cytogenetic location: 19q13.43.
Variant type: single nucleotide variant.
Coding change: c.1345G>A on transcript NM_012254.3 (MANE Select); coding-DNA position 1345, G replaced by A.
Protein change: p.Gly449Arg; replaces glycine 449 with arginine.
Molecular consequence: missense variant.
Genome position (GRCh38, 1-based): chr19:58,500,544, C>T on the plus strand (G>A on the coding strand, the complement: SLC27A5 is on the minus strand). VCF-style: chr19-58500544-C-T. GRCh37 (hg19) VCF-style: chr19-59011911-C-T.
Other names: c.1093G>A, p.Gly365Arg (NM_001321196.2); c.1345G>A (NM_012254.2); short protein forms G449R, G365R.
Identifiers: ClinVar variation 595979 (VCV000595979.7), dbSNP rs372223695, ClinGen allele CA9718023.